The following is an entry in ClinVar:

ClinVar aggregate classification (germline): Uncertain significance (1 of 4 stars; one submission).

Submission:

Labcorp Genetics (formerly Invitae), Labcorp
Classification: Uncertain significance. Last evaluated: 2025-06-22. Review status: criteria provided, single submitter. Criteria: Invitae Variant Classification Sherloc (09022015). Collection method: clinical testing. Allele origin: germline.
Comment: This sequence change falls in intron 11 of the ALPK1 gene. It does not directly change the encoded amino acid sequence of the ALPK1 protein. It affects a nucleotide within the consensus splice site. This variant is not present in population databases (gnomAD no frequency). This variant has not been reported in the literature in individuals affected with ALPK1-related conditions. Variants that disrupt the consensus splice site are a relatively common cause of aberrant splicing (PMID: 17576681, 9536098). Algorithms developed to predict the effect of sequence changes on RNA splicing suggest that this variant may disrupt the consensus splice site. In summary, the available evidence is currently insufficient to determine the role of this variant in disease. Therefore, it has been classified as a Variant of Uncertain Significance.

Literature cited by the submitters: PubMed 17576681; PubMed 9536098.

NM_025144.4(ALPK1):c.3034+4_3034+7del

Gene: ALPK1 (alpha kinase 1; plus strand). Cytogenetic location: 4q25.
Variant type: Microsatellite.
Coding change: c.3034+4_3034+7del on transcript NM_025144.4 (MANE Select); bases 4 to 7 of the intron after coding-DNA position 3034, 4 bases deleted (AGTA; older notation c.3034+4_3034+7delAGTA).
Molecular consequence: splice donor variant.
Genome position (GRCh38, 1-based): chr4:112,432,585-112,432,588, AGTA deleted; deleting any 4 consecutive bases within chr4:112,432,581-112,432,588 gives the same sequence; the c. name uses the placement nearest the transcript's 3' end. VCF-style (leftmost placement, unchanged base first): chr4-112432580-TAGTA-T. GRCh37 (hg19) VCF-style: chr4-113353736-TAGTA-T.
Other names: c.3034+4_3034+7del (NM_001102406.2); c.2800+4_2800+7del (NM_001253884.2).
Identifiers: ClinVar variation 4712732 (VCV004712732.1).